The following is an entry in ClinVar:

ClinVar aggregate classification (germline): Pathogenic (1 of 4 stars; one submission).

Conditions:
Arrhythmogenic right ventricular dysplasia 9 (ARVD9). Also called: Arrhythmogenic Right Ventricular Dysplasia/Cardiomyopathy 9; ARRHYTHMOGENIC RIGHT VENTRICULAR DYSPLASIA, FAMILIAL, 9. Identifiers: MedGen C1836906, MONDO:0012180, OMIM 609040.

Submission:

Labcorp Genetics (formerly Invitae), Labcorp
Classification: Pathogenic for Arrhythmogenic right ventricular dysplasia 9. Last evaluated: 2023-02-18. Review status: criteria provided, single submitter. Criteria: Invitae Variant Classification Sherloc (09022015). Collection method: clinical testing. Allele origin: germline.
Comment: For these reasons, this variant has been classified as Pathogenic. Algorithms developed to predict the effect of sequence changes on RNA splicing suggest that this variant may disrupt the consensus splice site. Disruption of this splice site has been observed in individuals with PKP2-related conditions (PMID: 20031617, 31386562). This variant is not present in population databases (gnomAD no frequency). This sequence change affects a donor splice site in intron 10 of the PKP2 gene. It is expected to disrupt RNA splicing. Variants that disrupt the donor or acceptor splice site typically lead to a loss of protein function (PMID: 16199547), and loss-of-function variants in PKP2 are known to be pathogenic (PMID: 15489853, 23911551).

Literature cited by the submitters: PubMed 20031617; PubMed 31386562; PubMed 16199547; PubMed 15489853; PubMed 23911551.

NM_001005242.3(PKP2):c.2013+2T>C

Gene: PKP2 (plakophilin 2; minus strand). Cytogenetic location: 12p11.21.
Variant type: single nucleotide variant.
Coding change: c.2013+2T>C on transcript NM_001005242.3 (MANE Select); the canonical splice donor site of the intron after coding-DNA position 2013, T replaced by C.
Molecular consequence: splice donor variant. On other transcripts: missense variant (3).
Genome position (GRCh38, 1-based): chr12:32,821,354, A>G on the plus strand (T>C on the coding strand, the complement: PKP2 is on the minus strand). VCF-style: chr12-32821354-A-G. GRCh37 (hg19) VCF-style: chr12-32974288-A-G.
Other names: c.2147T>C, p.Val716Ala (NM_001407157.1); c.2015T>C, p.Val672Ala (NM_001407161.1); c.1688T>C, p.Val563Ala (NM_001407162.1); c.1848+2T>C (NM_001407156.1); c.2013+2T>C (NM_001407155.1); c.2145+2T>C (NM_004572.4); c.1686+2T>C (NM_001407160.1, NM_001407159.1, NM_001407158.1); short protein forms V672A, V563A, V716A.
Identifiers: ClinVar variation 2813094 (VCV002813094.3), dbSNP rs2137772673, ClinGen allele CA384361525.